The following is an entry in ClinVar:

ClinVar aggregate classification (germline): Uncertain significance (1 of 4 stars; one submission).

Submission:

Women's Health and Genetics/Laboratory Corporation of America, LabCorp
Classification: Uncertain significance. Last evaluated: 2024-05-01. Review status: criteria provided, single submitter. Criteria: LabCorp Variant Classification Summary - May 2015. Collection method: clinical testing. Allele origin: germline.
Comment: Variant summary: CRB1 c.1405_1410delinsGGCCTG (p.Cys469Gly) results in a non-conservative amino acid change located in the EGF-like domain (IPR000742) of the encoded protein sequence. Five of five in-silico tools predict a damaging effect of the variant on protein function. The variant was absent in 251438 control chromosomes. To our knowledge, no occurrence of c.1405_1410delinsGGCCTG in individuals affected with Retinal Dystrophy and no experimental evidence demonstrating its impact on protein function have been reported. Additionally, a missense change (c.1405T>G) resulting in the same amino acid (p.C469G) change has been observed in patients with retinal dystrophy and related conditions (Xu_2020, Zhu_2021). The following publications have been ascertained in the context of this evaluation (PMID: 33970760, 31630094). No submitters have cited clinical-significance assessments for this variant to ClinVar. Based on the evidence outlined above, the variant was classified as VUS-possibly pathogenic.

Literature cited by the submitters: PubMed 31630094; PubMed 33970760.

NM_201253.3(CRB1):c.1405_1410delinsGGCCTG (p.Cys469Gly)

Gene: CRB1 (crumbs cell polarity complex component 1; plus strand). Cytogenetic location: 1q31.3.
Variant type: Indel.
Coding change: c.1405_1410delinsGGCCTG on transcript NM_201253.3 (MANE Select); coding-DNA positions 1405 to 1410, TGCCTA replaced by GGCCTG.
Protein change: p.Cys469Gly; replaces cysteine 469 with glycine.
Molecular consequence: missense variant. On other transcripts: non-coding transcript variant (2).
Genome position (GRCh38, 1-based): chr1:197,421,233-197,421,238, TGCCTA replaced by GGCCTG. VCF-style: chr1-197421233-TGCCTA-GGCCTG. GRCh37 (hg19) VCF-style: chr1-197390363-TGCCTA-GGCCTG.
Other names: c.1069_1074delinsGGCCTG, p.Cys357Gly (NM_001193640.2); c.1198_1203delinsGGCCTG, p.Cys400Gly (NM_001257965.2); c.1405_1410delinsGGCCTG, p.Cys469Gly (NM_001257966.2); short protein forms C357G, C400G, C469G.
Identifiers: ClinVar variation 3336301 (VCV003336301.1).
Genomic context (GRCh38, chr1:197,421,233, plus strand): 5'-CAATGTCTAAATAATGGAACATGCATCCCTCACTTCCAAGATGGCCAGCATGGATTCAGC[TGCCTA>GGCCTG]TGTCCATCTGGCTACACCGGGTCCCTGTGTGAAATCGCAACCACACTTTCATTTGAGGGC-3'
Protein context (NP_957705.1, residues 459-479): HFQDGQHGFS[Cys469Gly]LCPSGYTGSL